The following is an entry in ClinVar:

ClinVar aggregate classification (germline): Uncertain significance (1 of 4 stars; one submission).

Conditions:
Infantile cerebellar-retinal degeneration (ICRD). Identifiers: Orphanet 313850, MedGen C3281192, MONDO:0013802, OMIM 614559.

Submission:

Institute of Human Genetics, University of Leipzig Medical Center
Classification: Uncertain significance for Infantile cerebellar-retinal degeneration. Last evaluated: 2025-12-03. Review status: criteria provided, single submitter. Criteria: ACMG Guidelines, 2015. Collection method: clinical testing. Allele origin: maternal. Inheritance: Autosomal recessive inheritance. Affected: yes.
Comment: Criteria applied: PM2,PP3

NM_001098.3(ACO2):c.525+11G>A

Gene: ACO2 (aconitase 2; plus strand). Cytogenetic location: 22q13.2.
Variant type: single nucleotide variant.
Coding change: c.525+11G>A on transcript NM_001098.3 (MANE Select); 11 bases into the intron after coding-DNA position 525, G replaced by A.
Molecular consequence: intron variant.
Genome position (GRCh38, 1-based): chr22:41,511,979, G>A. VCF-style: chr22-41511979-G-A. GRCh37 (hg19) VCF-style: chr22-41907983-G-A.
Identifiers: ClinVar variation 4683089 (VCV004683089.1).